The following is an entry in ClinVar:

NM_000059.4(BRCA2):c.9947A>G (p.Glu3316Gly)

Gene: BRCA2 (BRCA2 DNA repair associated; plus strand). Cytogenetic location: 13q13.1.
Variant type: single nucleotide variant.
Coding change: c.9947A>G on transcript NM_000059.4 (MANE Select); coding-DNA position 9947, A replaced by G.
Protein change: p.Glu3316Gly; replaces glutamic acid 3316 with glycine.
Molecular consequence: missense variant. On other transcripts: non-coding transcript variant (1).
Genome position (GRCh38, 1-based): chr13:32,398,460, A>G. VCF-style: chr13-32398460-A-G. GRCh37 (hg19) VCF-style: chr13-32972597-A-G.
Other names: c.9851A>G, p.Glu3284Gly (NM_001406719.1); c.9896A>G, p.Glu3299Gly (NM_001406720.1); c.5015A>G, p.Glu1672Gly (NM_001406721.1); c.3530A>G, p.Glu1177Gly (NM_001406722.1); c.9947A>G, p.Glu3316Gly (NM_001432077.1); short protein forms E1177G, E3316G, E1672G, E3299G, E3284G.
Identifiers: ClinVar variation 3572377 (VCV003572377.1).
Genomic context (GRCh38, chr13:32,398,460, plus strand): 5'-AGGCATTTCAGCCACCAAGGAGTTGTGGCACCAAATACGAAACACCCATAAAGAAAAAAG[A>G]ACTGAATTCTCCTCAGATGACTCCATTTAAAAAATTCAATGAAATTTCTCTTTTGGAAAG-3'
Protein context (NP_000050.3, residues 3306-3326): TKYETPIKKK[Glu3316Gly]LNSPQMTPFK

ClinVar aggregate classification (germline): Uncertain significance (1 of 4 stars; one submission).

Submission:

Quest Diagnostics Nichols Institute San Juan Capistrano
Classification: Uncertain significance. Last evaluated: 2024-08-22. Review status: criteria provided, single submitter. Criteria: Quest Diagnostics criteria. Collection method: clinical testing. Allele origin: unknown.
Comment: The BRCA2 c.9947A>G (p.Glu3316Gly) variant has not been reported in individuals with BRCA2-related conditions in the published literature. It also has not been reported in large, multi-ethnic general populations (Genome Aggregation Database). Analysis of this variant using bioinformatics tools for the prediction of the effect of amino acid changes on protein structure and function yielded predictions that this variant is benign. Based on the available information, we are unable to determine the clinical significance of this variant.

Literature cited by the submitters: PubMed 29884841.